The following is an entry in ClinVar:

ClinVar aggregate classification (germline): Pathogenic (1 of 4 stars; one submission).

Conditions:
Osteogenesis imperfecta type I (OI1). Also called: OI, TYPE I; OSTEOGENESIS IMPERFECTA TARDA; OSTEOGENESIS IMPERFECTA WITH BLUE SCLERAE; Osteogenesis imperfecta type 1; Classic Non-deforming Osteogenesis Imperfecta with Blue Sclerae; Lobstein's Disease. Identifiers: Orphanet 216796, Orphanet 666, MedGen C0023931, MONDO:0008146, OMIM 166200. Disease mechanism: loss of function.
Ehlers-Danlos syndrome, classic type, 1 (EDSCL1). Also called: EHLERS-DANLOS SYNDROME, GRAVIS TYPE; EHLERS-DANLOS SYNDROME, SEVERE CLASSIC TYPE; EDS I; Ehlers-Danlos Syndrome, Classic Type, COL5A1-Related; Ehlers-Danlos syndrome, type 1. Identifiers: MedGen C0268335, MONDO:0019567, OMIM 130000.

Submission:

Labcorp Genetics (formerly Invitae), Labcorp
Classification: Pathogenic for Osteogenesis imperfecta type I; Ehlers-Danlos syndrome, classic type, 1. Last evaluated: 2020-04-28. Review status: criteria provided, single submitter. Criteria: Invitae Variant Classification Sherloc (09022015). Collection method: clinical testing. Allele origin: germline.
Comment: For these reasons, this variant has been classified as Pathogenic. Glycine residues within the Gly-Xaa-Yaa repeats of the triple helix domain are required for the structure and stability of fibrillar collagens (PMID: 7695699, 8218237, 19344236). In COL1A2, missense variants at these glycine residues are significantly enriched in individuals with disease (PMID: 9016532, 17078022) compared to the general population (ExAC). This missense change has been observed in individual(s) with clinical features of osteogenesis imperfecta (PMID: 17078022, Invitae). This variant is not present in population databases (ExAC no frequency). This sequence change replaces glycine with arginine at codon 739 of the COL1A2 protein (p.Gly739Arg). The glycine residue is highly conserved and there is a moderate physicochemical difference between glycine and arginine.

Literature cited by the submitters: PubMed 7695699; PubMed 8218237; PubMed 19344236; PubMed 9016532; PubMed 17078022.

NM_000089.4(COL1A2):c.2215G>C (p.Gly739Arg)

Gene: COL1A2 (collagen type I alpha 2 chain; plus strand). Cytogenetic location: 7q21.3.
Variant type: single nucleotide variant.
Coding change: c.2215G>C on transcript NM_000089.4 (MANE Select); coding-DNA position 2215, G replaced by C.
Protein change: p.Gly739Arg; replaces glycine 739 with arginine.
Molecular consequence: missense variant.
Genome position (GRCh38, 1-based): chr7:94,420,568, G>C. VCF-style: chr7-94420568-G-C. GRCh37 (hg19) VCF-style: chr7-94049880-G-C.
Other names: short protein forms G739R.
Identifiers: ClinVar variation 1075256 (VCV001075256.10), dbSNP rs72658174, ClinGen allele CA368223486.